The following is an entry in ClinVar:

NM_000535.5:c.1274_1275insALU

Gene: PMS2 (PMS1 homolog 2, mismatch repair system component; minus strand).
Variant type: Insertion.
Identifiers: ClinVar variation 1766107 (VCV001766107.2).

ClinVar aggregate classification (germline): Likely pathogenic (1 of 4 stars; one submission).

Conditions:
Hereditary cancer-predisposing syndrome. Also called: Neoplastic Syndromes, Hereditary; Tumor predisposition; Hereditary Cancer Syndrome; Hereditary neoplastic syndrome. Identifiers: Orphanet 140162, MedGen C0027672, MeSH D009386, MONDO:0015356.

Submission:

Ambry Genetics
Classification: Likely pathogenic for Hereditary cancer-predisposing syndrome. Last evaluated: 2020-02-06. Review status: criteria provided, single submitter. Criteria: Ambry Variant Classification Scheme 2023. Collection method: clinical testing. Allele origin: germline.
Comment: The c.1274_1275insALU likely pathogenic variant results from an Alu element insertion located in coding exon 11 of the PMS2 gene. Alu element insertions have been shown to contribute to pathogenicity by either disrupting a coding region or a splice signal (Belancio VP et al. Semin. Cancer Biol. 2010 Aug;20:200-10; Deininger P. Genome Biol. 2011 Dec;12:236). Based on the majority of available evidence to date, this variant is likely to be pathogenic.

Literature cited by the submitters: PubMed 20600922; PubMed 22204421; PubMed 29025590.